The following is an entry in ClinVar:

ClinVar aggregate classification (germline): Uncertain significance (1 of 4 stars; one submission).

Conditions:
Inborn genetic diseases. Identifiers: MedGen C0950123, MeSH D030342.

Submission:

Ambry Genetics
Classification: Uncertain significance for Inborn genetic diseases. Last evaluated: 2026-07-13. Review status: criteria provided, single submitter. Criteria: Ambry Variant Classification Scheme 2023. Collection method: clinical testing. Allele origin: germline.
Comment: The p.L284P variant (also known as c.851T>C), located in coding exon 9 of the DDX41 gene, results from a T to C substitution at nucleotide position 851. The leucine at codon 284 is replaced by proline, an amino acid with similar properties. This amino acid position is conserved. In addition, this alteration is predicted to be deleterious by in silico analysis. Based on the available evidence, the clinical significance of this variant remains unclear.

NM_016222.4(DDX41):c.851T>C (p.Leu284Pro)

Gene: DDX41 (DEAD-box helicase 41; minus strand). Cytogenetic location: 5q35.3.
Variant type: single nucleotide variant.
Coding change: c.851T>C on transcript NM_016222.4 (MANE Select); coding-DNA position 851, T replaced by C.
Protein change: p.Leu284Pro; replaces leucine 284 with proline.
Molecular consequence: missense variant.
Genome position (GRCh38, 1-based): chr5:177,514,785, A>G on the plus strand (T>C on the coding strand, the complement: DDX41 is on the minus strand). VCF-style: chr5-177514785-A-G. GRCh37 (hg19) VCF-style: chr5-176941786-A-G.
Other names: c.473T>C, p.Leu158Pro (NM_001321732.2, NM_001321830.2); short protein forms L158P, L284P.
Identifiers: ClinVar variation 5035149 (VCV005035149.1).